The following is an entry in ClinVar:

NM_005797.4(MPZL2):c.290G>A (p.Trp97Ter)

Gene: MPZL2 (myelin protein zero like 2; minus strand). Cytogenetic location: 11q23.3.
Variant type: single nucleotide variant.
Coding change: c.290G>A on transcript NM_005797.4 (MANE Select); coding-DNA position 290, G replaced by A.
Protein change: p.Trp97Ter; replaces tryptophan 97 with a stop codon.
Molecular consequence: nonsense.
Genome position (GRCh38, 1-based): chr11:118,262,584, C>T on the plus strand (G>A on the coding strand, the complement: MPZL2 is on the minus strand). VCF-style: chr11-118262584-C-T. GRCh37 (hg19) VCF-style: chr11-118133299-C-T.
Other names: c.290G>A, p.Trp97Ter (NM_144765.3); short protein forms W97*.
Identifiers: ClinVar variation 3032146 (VCV003032146.2), dbSNP rs775609064, ClinGen allele CA6301401.

ClinVar aggregate classification (germline): Likely pathogenic (0 of 4 stars; one submission).

Conditions:
MPZL2-related disorder. Also called: MPZL2-related condition.

Allele frequency attached by ClinVar (database versions not stated): gnomAD 0.00001; gnomAD exomes 0.00001; ExAC 0.00003; TOPMed 0.00005.
gnomAD v4.1: 15 of 1,614,044 alleles (0.00093%); highest among the groups gnomAD compares: Admixed American, 0.023%; no homozygotes.

Submission:

PreventionGenetics, part of Exact Sciences
Classification: Likely pathogenic for MPZL2-related condition. Last evaluated: 2024-01-02. Review status: no assertion criteria provided. Collection method: clinical testing. Allele origin: germline.
Comment: The MPZL2 c.290G>A variant is predicted to result in premature protein termination (p.Trp97*). To our knowledge, this variant has not been reported in the literature. This variant is reported in 0.035% of alleles in individuals of Latino descent in gnomAD. Nonsense variants in MPZL2 are expected to be pathogenic. This variant is interpreted as likely pathogenic.